The following is an entry in ClinVar:

NM_001376.5(DYNC1H1):c.11990G>A (p.Arg3997Gln)

Gene: DYNC1H1 (dynein cytoplasmic 1 heavy chain 1; plus strand). Cytogenetic location: 14q32.31.
Variant type: single nucleotide variant.
Coding change: c.11990G>A on transcript NM_001376.5 (MANE Select); coding-DNA position 11990, G replaced by A.
Protein change: p.Arg3997Gln; replaces arginine 3997 with glutamine.
Molecular consequence: missense variant.
Genome position (GRCh38, 1-based): chr14:102,041,622, G>A. VCF-style: chr14-102041622-G-A. GRCh37 (hg19) VCF-style: chr14-102507959-G-A.
Other names: short protein forms R3997Q.
Identifiers: ClinVar variation 2231176 (VCV002231176.5), dbSNP rs1157186575, ClinGen allele CA391037684.
Genomic context (GRCh38, chr14:102,041,622, plus strand): 5'-TACCTGTTTCAGCACCCATTGGCCAGGCCATCCACCGCCTGCTCCTGATCCAGGCTTTCC[G>A]GCCCGATCGCCTGTTGGCCATGGCCCACATGTTTGTTTCAACAAACCTTGGGGAGTCTTT-3'
Protein context (NP_001367.2, residues 3987-4007): IHRLLLIQAF[Arg3997Gln]PDRLLAMAHM

ClinVar aggregate classification (germline): Uncertain significance. Review status: criteria provided, multiple submitters, no conflicts (2 of 4 stars). 2 submissions from 2 submitters: Uncertain significance (2). Last evaluated 2023-02-08.

Conditions:
Inborn genetic diseases. Identifiers: MedGen C0950123, MeSH D030342.
Charcot-Marie-Tooth disease axonal type 2O. Also called: CHARCOT-MARIE-TOOTH NEUROPATHY, AXONAL, TYPE 2O; CHARCOT-MARIE-TOOTH DISEASE, AXONAL, AUTOSOMAL DOMINANT, TYPE 2O; Charcot-Marie-Tooth Neuropathy Type 2O; Charcot-Marie-Tooth disease, axonal, type 20. Identifiers: Orphanet 284232, MedGen C3280220, MONDO:0013644, OMIM 614228.

Allele frequency attached by ClinVar (database versions not stated): gnomAD exomes below 0.00001.
gnomAD v4.1: 5 of 1,614,158 alleles (0.00031%); highest among the groups gnomAD compares: Non-Finnish European, 0.00042%; no homozygotes.

Submissions (2):

Labcorp Genetics (formerly Invitae), Labcorp
Classification: Uncertain significance for Charcot-Marie-Tooth disease axonal type 2O. Last evaluated: 2023-02-08. Review status: criteria provided, single submitter. Criteria: Invitae Variant Classification Sherloc (09022015). Collection method: clinical testing. Allele origin: germline.
Comment: This variant is present in population databases (no rsID available, gnomAD 0.002%). This sequence change replaces arginine, which is basic and polar, with glutamine, which is neutral and polar, at codon 3997 of the DYNC1H1 protein (p.Arg3997Gln). This variant has not been reported in the literature in individuals affected with DYNC1H1-related conditions. In summary, the available evidence is currently insufficient to determine the role of this variant in disease. Therefore, it has been classified as a Variant of Uncertain Significance. Algorithms developed to predict the effect of missense changes on protein structure and function (SIFT, PolyPhen-2, Align-GVGD) all suggest that this variant is likely to be disruptive.

Ambry Genetics
Classification: Uncertain significance for Inborn genetic diseases. Last evaluated: 2021-05-06. Review status: criteria provided, single submitter. Criteria: Ambry Variant Classification Scheme 2023. Collection method: clinical testing. Allele origin: germline.